The following is an entry in ClinVar:

ClinVar aggregate classification (germline): Benign. Review status: criteria provided, multiple submitters, no conflicts (2 of 4 stars). 4 submissions from 4 submitters: Benign (4). Last evaluated 2026-02-04.

Conditions:
Monilethrix. Also called: Beaded hair. Identifiers: Orphanet 573, MedGen C0546966, MONDO:0008009, HP:0032470.

Allele frequency attached by ClinVar (database versions not stated): gnomAD exomes 0.65843 and 0.66510; ExAC 0.66625; gnomAD 0.71182 and 0.71624; TOPMed 0.71370; 1000 Genomes Project 0.71785; 1000 Genomes Project 30x 0.72486; ESP Exome Variant Server 0.73105.

Submissions (4):

Labcorp Genetics (formerly Invitae), Labcorp
Classification: Benign. Last evaluated: 2026-02-04. Review status: criteria provided, single submitter. Criteria: Invitae Variant Classification Sherloc (09022015). Collection method: clinical testing. Allele origin: germline.

GeneDx
Classification: Benign. Last evaluated: 2018-10-04. Review status: criteria provided, single submitter. Criteria: GeneDx Variant Classification Process June 2021. Collection method: clinical testing. Allele origin: germline. Affected: yes.

Illumina Laboratory Services, Illumina
Classification: Benign for Monilethrix-1. Last evaluated: 2018-01-12. Review status: criteria provided, single submitter. Criteria: ICSL Variant Classification Criteria 13 December 2019. Collection method: clinical testing. Allele origin: germline.
Comment: This variant was observed in the ICSL laboratory as part of a predisposition screen in an ostensibly healthy population. It had not been previously curated by ICSL or reported in the Human Gene Mutation Database (HGMD: prior to June 1st, 2018), and was therefore a candidate for classification through an automated scoring system. Utilizing variant allele frequency, disease prevalence and penetrance estimates, and inheritance mode, an automated score was calculated to assess if this variant is too frequent to cause the disease. Based on the score and internal cut-off values, a variant classified as benign is not then subjected to further curation. The score for this variant resulted in a classification of benign for this disease.

Breakthrough Genomics
Classification: Benign. Review status: criteria provided, single submitter. Criteria: ACMG Guidelines, 2015. Collection method: not provided. Allele origin: germline. Inheritance: Autosomal recessive inheritance. Affected: yes.

NM_002282.3(KRT83):c.750+15A>G

Gene: KRT83 (keratin 83; minus strand). Cytogenetic location: 12q13.13.
Variant type: single nucleotide variant.
Coding change: c.750+15A>G on transcript NM_002282.3 (MANE Select); 15 bases into the intron after coding-DNA position 750, A replaced by G.
Molecular consequence: intron variant.
Genome position (GRCh38, 1-based): chr12:52,317,666, T>C on the plus strand (A>G on the coding strand, the complement: KRT83 is on the minus strand). VCF-style: chr12-52317666-T-C. GRCh37 (hg19) VCF-style: chr12-52711450-T-C.
Identifiers: ClinVar variation 309521 (VCV000309521.18), dbSNP rs2248619, ClinGen allele CA6577548.